The following is an entry in ClinVar:

ClinVar aggregate classification (germline): Likely benign (1 of 4 stars; one submission).

Conditions:
PEX1-related disorder. Also called: PEX1-related condition.

Submission:

PreventionGenetics, part of Exact Sciences
Classification: Likely benign for PEX1-related condition. Last evaluated: 2025-03-20. Review status: criteria provided, single submitter. Criteria: ACMG Guidelines, 2015. Collection method: clinical testing. Allele origin: germline.
Comment: This variant is classified as likely benign based on ACMG/AMP sequence variant interpretation guidelines (Richards et al. 2015 PMID: 25741868, with internal and published modifications).

NM_000466.3(PEX1):c.1179A>G (p.Glu393=)

Gene: PEX1 (peroxisomal biogenesis factor 1; minus strand). Cytogenetic location: 7q21.2.
Variant type: single nucleotide variant.
Coding change: c.1179A>G on transcript NM_000466.3 (MANE Select); coding-DNA position 1179, A replaced by G.
Protein change: p.Glu393=; no amino-acid change (glutamic acid 393 retained).
Molecular consequence: synonymous variant.
Genome position (GRCh38, 1-based): chr7:92,517,336, T>C on the plus strand (A>G on the coding strand, the complement: PEX1 is on the minus strand). VCF-style: chr7-92517336-T-C. GRCh37 (hg19) VCF-style: chr7-92146650-T-C.
Other names: c.1179A>G, p.Glu393= (NM_001282677.2); c.555A>G, p.Glu185= (NM_001282678.2).
Identifiers: ClinVar variation 4997481 (VCV004997481.1).